The following is an entry in ClinVar:

NM_017617.5(NOTCH1):c.6724C>G (p.Leu2242Val)

Gene: NOTCH1 (notch receptor 1; minus strand). Cytogenetic location: 9q34.3.
Variant type: single nucleotide variant.
Coding change: c.6724C>G on transcript NM_017617.5 (MANE Select); coding-DNA position 6724, C replaced by G.
Protein change: p.Leu2242Val; replaces leucine 2242 with valine.
Molecular consequence: missense variant.
Genome position (GRCh38, 1-based): chr9:136,497,015, G>C on the plus strand (C>G on the coding strand, the complement: NOTCH1 is on the minus strand). VCF-style: chr9-136497015-G-C. GRCh37 (hg19) VCF-style: chr9-139391467-G-C.
Other names: c.6724C>G (NM_017617.3); short protein forms L2242V.
Identifiers: ClinVar variation 2084480 (VCV002084480.7), dbSNP rs1589053091, ClinGen allele CA375630494.
Genomic context (GRCh38, chr9:136,497,015, plus strand): 5'-CGCCCCCACCCAGCGCCGCCATCTCGGGCTTGGCCGCCACGTTCAGGTGCCCGATGCCCA[G>C]GTGGGTGTCGGGCATCCCAGGCAGGTGGTTGAGGGGCACGGACGGAGACTGCTGGAACGG-3'
Protein context (NP_060087.3, residues 2232-2252): NHLPGMPDTH[Leu2242Val]GIGHLNVAAK

ClinVar aggregate classification (germline): Uncertain significance. Review status: criteria provided, multiple submitters, no conflicts (2 of 4 stars). 2 submissions from 2 submitters: Uncertain significance (2). Last evaluated 2025-08-12.

Conditions:
Adams-Oliver syndrome 5 (AOS5). Identifiers: Orphanet 974, MedGen C4014970, MONDO:0014459, OMIM 616028.
Familial thoracic aortic aneurysm and aortic dissection (TAAD). Also called: Thoracic aortic aneurysms and dissections. Identifiers: Orphanet 91387, MedGen C4707243, MONDO:0019625.

gnomAD v4.1: 1 of 1,609,782 alleles (0.000062%); highest among the groups gnomAD compares: Non-Finnish European, 0.000085%; no homozygotes.

Submissions (2):

Ambry Genetics
Classification: Uncertain significance for Familial thoracic aortic aneurysm and aortic dissection. Last evaluated: 2025-08-12. Review status: criteria provided, single submitter. Criteria: Ambry Variant Classification Scheme 2023. Collection method: clinical testing. Allele origin: germline.
Comment: The p.L2242V variant (also known as c.6724C>G), located in coding exon 34 of the NOTCH1 gene, results from a C to G substitution at nucleotide position 6724. The leucine at codon 2242 is replaced by valine, an amino acid with highly similar properties. This amino acid position is conserved. In addition, this alteration is predicted to be tolerated by in silico analysis. Since supporting evidence is limited at this time, the clinical significance of this alteration remains unclear.

Labcorp Genetics (formerly Invitae), Labcorp
Classification: Uncertain significance for Adams-Oliver syndrome 5. Last evaluated: 2023-12-05. Review status: criteria provided, single submitter. Criteria: Invitae Variant Classification Sherloc (09022015). Collection method: clinical testing. Allele origin: germline.
Comment: This sequence change replaces leucine, which is neutral and non-polar, with valine, which is neutral and non-polar, at codon 2242 of the NOTCH1 protein (p.Leu2242Val). This variant is not present in population databases (gnomAD no frequency). This variant has not been reported in the literature in individuals affected with NOTCH1-related conditions. ClinVar contains an entry for this variant (Variation ID: 2084480). Advanced modeling of protein sequence and biophysical properties (such as structural, functional, and spatial information, amino acid conservation, physicochemical variation, residue mobility, and thermodynamic stability) performed at Invitae indicates that this missense variant is not expected to disrupt NOTCH1 protein function with a negative predictive value of 95%. In summary, the available evidence is currently insufficient to determine the role of this variant in disease. Therefore, it has been classified as a Variant of Uncertain Significance.